The following is an entry in ClinVar:

ClinVar aggregate classification (germline): Uncertain significance (1 of 4 stars; one submission).

Submission:

Women's Health and Genetics/Laboratory Corporation of America, LabCorp
Classification: Uncertain significance. Last evaluated: 2025-11-03. Review status: criteria provided, single submitter. Criteria: LabCorp Variant Classification Summary - May 2015. Collection method: clinical testing. Allele origin: germline.
Comment: Variant summary: SNTA1 c.869G>T (p.Gly290Val) results in a non-conservative amino acid change in the encoded protein sequence. Algorithms developed to predict the effect of missense changes on protein structure and function are either unavailable or do not agree on the potential impact of this missense change. The variant was absent in 251186 control chromosomes. The available data on variant occurrences in the general population are insufficient to allow any conclusion about variant significance. To our knowledge, no occurrence of c.869G>T in individuals affected with SNTA1-related conditions and no experimental evidence demonstrating its impact on protein function have been reported. No submitters have cited clinical-significance assessments for this variant to ClinVar. Based on the evidence outlined above, the variant was classified as uncertain significance.

NM_003098.3(SNTA1):c.869G>T (p.Gly290Val)

Gene: SNTA1 (syntrophin alpha 1; minus strand). Cytogenetic location: 20q11.21.
Variant type: single nucleotide variant.
Coding change: c.869G>T on transcript NM_003098.3 (MANE Select); coding-DNA position 869, G replaced by T.
Protein change: p.Gly290Val; replaces glycine 290 with valine.
Molecular consequence: missense variant.
Genome position (GRCh38, 1-based): chr20:33,412,615, C>A on the plus strand (G>T on the coding strand, the complement: SNTA1 is on the minus strand). VCF-style: chr20-33412615-C-A. GRCh37 (hg19) VCF-style: chr20-32000421-C-A.
Other names: c.869G>T, p.Gly290Val (NM_001424413.1, NM_001424414.1); short protein forms G290V.
Identifiers: ClinVar variation 4537155 (VCV004537155.1).
Genomic context (GRCh38, chr20:33,412,615, plus strand): 5'-GTCCCAGGCCCAGCAGGTACCTGCTCAGTTAGCCAGCCAATCTGCTTGATGTCCTGGCTC[C>A]CAGCTGTGCTGGTGGCTGCCAACAGTGCCTGCAGCTCATCCTTGACCCGCGGCGTCAGAG-3'
Protein context (NP_003089.1, residues 280-300): QALLAATSTA[Gly290Val]SQDIKQIGWL